The following is an entry in ClinVar:

NM_000397.4(CYBB):c.1085C>A (p.Thr362Lys)

Gene: CYBB (cytochrome b-245 beta chain; plus strand). Cytogenetic location: Xp11.4.
Variant type: single nucleotide variant.
Coding change: c.1085C>A on transcript NM_000397.4 (MANE Select); coding-DNA position 1085, C replaced by A.
Protein change: p.Thr362Lys; replaces threonine 362 with lysine.
Molecular consequence: missense variant.
Genome position (GRCh38, 1-based): chrX:37,804,064, C>A. VCF-style: chrX-37804064-C-A. GRCh37 (hg19) VCF-style: chrX-37663317-C-A.
Other names: short protein forms T362K.
Identifiers: ClinVar variation 859985 (VCV000859985.10), dbSNP rs1569479953, ClinGen allele CA412977436.

ClinVar aggregate classification (germline): Uncertain significance (1 of 4 stars; one submission).

Conditions:
Granulomatous disease, chronic, X-linked. Also called: CYTOCHROME b-NEGATIVE GRANULOMATOUS DISEASE, CHRONIC, X-LINKED; GRANULOMATOUS DISEASE, CHRONIC, X-LINKED, SOMATIC MOSAIC. Identifiers: Orphanet 379, MedGen C1844376, MONDO:0010600, OMIM 306400.

Submission:

Labcorp Genetics (formerly Invitae), Labcorp
Classification: Uncertain significance for Granulomatous disease, chronic, X-linked. Last evaluated: 2022-01-28. Review status: criteria provided, single submitter. Criteria: Invitae Variant Classification Sherloc (09022015). Collection method: clinical testing. Allele origin: germline.
Comment: ClinVar contains an entry for this variant (Variation ID: 859985). In summary, the available evidence is currently insufficient to determine the role of this variant in disease. Therefore, it has been classified as a Variant of Uncertain Significance. This variant disrupts the p.Thr362 amino acid residue in CYBB. Other variant(s) that disrupt this residue have been observed in individuals with CYBB-related conditions (PMID: 20729109), which suggests that this may be a clinically significant amino acid residue. Advanced modeling of protein sequence and biophysical properties (such as structural, functional, and spatial information, amino acid conservation, physicochemical variation, residue mobility, and thermodynamic stability) performed at Invitae indicates that this missense variant is expected to disrupt CYBB protein function. This missense change has been observed in individual(s) with chronic granulomatous disease (PMID: 30470980). This variant is not present in population databases (gnomAD no frequency). This sequence change replaces threonine, which is neutral and polar, with lysine, which is basic and polar, at codon 362 of the CYBB protein (p.Thr362Lys).

Literature cited by the submitters: PubMed 20729109; PubMed 30470980.